The following is an entry in ClinVar:

NM_002458.3(MUC5B):c.8886T>C (p.Arg2962=)

Genes: MUC5B (mucin 5B, oligomeric mucus/gel-forming; plus strand), MUC5B-AS1 (MUC5B antisense RNA 1; minus strand). Cytogenetic location: 11p15.5.
Variant type: single nucleotide variant.
Coding change: c.8886T>C on transcript NM_002458.3 (MANE Select); coding-DNA position 8886, T replaced by C.
Protein change: p.Arg2962=; no amino-acid change (arginine 2962 retained).
Molecular consequence: synonymous variant.
Genome position (GRCh38, 1-based): chr11:1,245,766, T>C. VCF-style: chr11-1245766-T-C. GRCh37 (hg19) VCF-style: chr11-1266996-T-C.
Identifiers: ClinVar variation 403183 (VCV000403183.5), dbSNP rs368128605, ClinGen allele CA5806755.

ClinVar aggregate classification (germline): Likely benign. Review status: criteria provided, multiple submitters, no conflicts (2 of 4 stars). 2 submissions from 2 submitters: Likely benign (2). Last evaluated 2016-03-28.

Allele frequency attached by ClinVar (database versions not stated): 1000 Genomes Project 30x 0.01437; gnomAD 0.01926 and 0.02002; ESP Exome Variant Server 0.01985; gnomAD exomes 0.02451 and 0.02589; ExAC 0.02739.
gnomAD v4.1: 40,286 of 1,599,220 alleles (2.5%); highest among the groups gnomAD compares: Non-Finnish European, 2.8%; no homozygotes.

Submissions (2):

Laboratory for Molecular Medicine, Mass General Brigham Personalized Medicine
Classification: Likely benign. Last evaluated: 2016-03-28. Review status: criteria provided, single submitter. Criteria: LMM Criteria. Collection method: clinical testing. Allele origin: germline.
Comment: Variant identified in a genome or exome case(s) and assessed due to predicted null impact of the variant or pathogenic assertions in the literature or databases. Disclaimer: This variant has not undergone full assessment. The following are preliminary notes: Frequency

Breakthrough Genomics
Classification: Likely benign. Review status: criteria provided, single submitter. Criteria: ACMG Guidelines, 2015. Collection method: not provided. Allele origin: germline. Inheritance: Autosomal dominant inheritance. Affected: yes.